The following is an entry in ClinVar:

ClinVar aggregate classification (germline): Uncertain significance (1 of 4 stars; one submission).

Conditions:
Inborn genetic diseases. Identifiers: MedGen C0950123, MeSH D030342.

gnomAD v4.1: 3 of 1,614,086 alleles (0.00019%); highest among the groups gnomAD compares: Non-Finnish European, 0.00025%; no homozygotes.

Submission:

Ambry Genetics
Classification: Uncertain significance for Inborn genetic diseases. Last evaluated: 2025-05-15. Review status: criteria provided, single submitter. Criteria: Ambry Variant Classification Scheme 2023. Collection method: clinical testing. Allele origin: germline.
Comment: The p.S534C variant (also known as c.1601C>G), located in coding exon 12 of the ASXL1 gene, results from a C to G substitution at nucleotide position 1601. The serine at codon 534 is replaced by cysteine, an amino acid with dissimilar properties. This amino acid position is conserved. In addition, this alteration is predicted to be tolerated by in silico analysis. Based on the available evidence, the clinical significance of this variant remains unclear.

NM_015338.6(ASXL1):c.1601C>G (p.Ser534Cys)

Gene: ASXL1 (ASXL transcriptional regulator 1; plus strand). Cytogenetic location: 20q11.21.
Variant type: single nucleotide variant.
Coding change: c.1601C>G on transcript NM_015338.6 (MANE Select); coding-DNA position 1601, C replaced by G.
Protein change: p.Ser534Cys; replaces serine 534 with cysteine.
Molecular consequence: missense variant.
Genome position (GRCh38, 1-based): chr20:32,433,799, C>G. VCF-style: chr20-32433799-C-G. GRCh37 (hg19) VCF-style: chr20-31021602-C-G.
Other names: c.1418C>G, p.Ser473Cys (NM_001363734.1); short protein forms S473C, S534C.
Identifiers: ClinVar variation 3956903 (VCV003956903.1).